The following is an entry in ClinVar:

NM_020436.5(SALL4):c.1597G>T (p.Ala533Ser)

Gene: SALL4 (spalt like transcription factor 4; minus strand). Cytogenetic location: 20q13.2.
Variant type: single nucleotide variant.
Coding change: c.1597G>T on transcript NM_020436.5 (MANE Select); coding-DNA position 1597, G replaced by T.
Protein change: p.Ala533Ser; replaces alanine 533 with serine.
Molecular consequence: missense variant. On other transcripts: intron variant (1).
Genome position (GRCh38, 1-based): chr20:51,790,886, C>A on the plus strand (G>T on the coding strand, the complement: SALL4 is on the minus strand). VCF-style: chr20-51790886-C-A. GRCh37 (hg19) VCF-style: chr20-50407425-C-A.
Other names: c.1150+447G>T (NM_001318031.2); short protein forms A533S.
Identifiers: ClinVar variation 4629793 (VCV004629793.2).

ClinVar aggregate classification (germline): Uncertain significance. Review status: criteria provided, multiple submitters, no conflicts (2 of 4 stars). 2 submissions from 2 submitters: Uncertain significance (2). Last evaluated 2025-12-08.

Conditions:
Duane-radial ray syndrome (DRRS). Also called: ACRORENOOCULAR SYNDROME; DR SYNDROME; DUANE ANOMALY WITH RADIAL RAY ABNORMALITIES AND DEAFNESS; Okihiro Syndrome; Duane-Radial Ray Syndrome (DRRS) / Okihiro Syndrome; Duane-Radial Ray Syndrome/Okihiro Syndrome. Identifiers: Orphanet 93293, Orphanet 959, MedGen C1623209, MONDO:0011812, OMIM 607323. Disease mechanism: gain of function.
Inborn genetic diseases. Identifiers: MedGen C0950123, MeSH D030342.

gnomAD v4.1: 57 of 1,614,104 alleles (0.0035%); highest among the groups gnomAD compares: African/African-American, 0.064%; no homozygotes.

Submissions (2):

Ambry Genetics
Classification: Uncertain significance for Inborn genetic diseases. Last evaluated: 2025-12-08. Review status: criteria provided, single submitter. Criteria: Ambry Variant Classification Scheme 2023. Collection method: clinical testing. Allele origin: germline.

Labcorp Genetics (formerly Invitae), Labcorp
Classification: Uncertain significance for Duane-radial ray syndrome. Last evaluated: 2025-06-27. Review status: criteria provided, single submitter. Criteria: Invitae Variant Classification Sherloc (09022015). Collection method: clinical testing. Allele origin: germline.
Comment: This sequence change replaces alanine, which is neutral and non-polar, with serine, which is neutral and polar, at codon 533 of the SALL4 protein (p.Ala533Ser). This variant is present in population databases (rs558350484, gnomAD 0.04%). This variant has not been reported in the literature in individuals affected with SALL4-related conditions. An algorithm developed to predict the effect of missense changes on protein structure and function (PolyPhen-2) suggests that this variant is likely to be tolerated. In summary, the available evidence is currently insufficient to determine the role of this variant in disease. Therefore, it has been classified as a Variant of Uncertain Significance.